The following is an entry in ClinVar:

ClinVar aggregate classification (germline): Uncertain significance (1 of 4 stars; one submission).

Conditions:
LRRC45-related disorder. Also called: LRRC45-related condition.

gnomAD v4.1: 32 of 1,610,694 alleles (0.002%); highest among the groups gnomAD compares: Middle Eastern, 0.017%; no homozygotes.

Submission:

PreventionGenetics, part of Exact Sciences
Classification: Uncertain significance for LRRC45-related condition. Last evaluated: 2026-06-18. Review status: criteria provided, single submitter. Criteria: ACMG Guidelines, 2015. Collection method: clinical testing. Allele origin: germline.
Comment: The LRRC45 c.443G>A variant is predicted to result in the amino acid substitution p.Arg148Gln. To our knowledge, this variant has not been reported in the literature. This variant is reported in 0.0066% of alleles in individuals of African descent in gnomAD. At this time, the clinical significance of this variant is uncertain due to the absence of conclusive functional and genetic evidence.

NM_144999.4(LRRC45):c.443G>A (p.Arg148Gln)

Gene: LRRC45 (leucine rich repeat containing 45; plus strand). Cytogenetic location: 17q25.3.
Variant type: single nucleotide variant.
Coding change: c.443G>A on transcript NM_144999.4 (MANE Select); coding-DNA position 443, G replaced by A.
Protein change: p.Arg148Gln; replaces arginine 148 with glutamine.
Molecular consequence: missense variant.
Genome position (GRCh38, 1-based): chr17:82,025,089, G>A. VCF-style: chr17-82025089-G-A. GRCh37 (hg19) VCF-style: chr17-79982965-G-A.
Other names: short protein forms R148Q.
Identifiers: ClinVar variation 4983566 (VCV004983566.1).